The following is an entry in ClinVar:

ClinVar aggregate classification (germline): Uncertain significance (1 of 4 stars; one submission).

Submission:

GeneDx
Classification: Uncertain significance. Last evaluated: 2024-10-14. Review status: criteria provided, single submitter. Criteria: GeneDx Variant Classification Process June 2021. Collection method: clinical testing. Allele origin: germline. Affected: yes.
Comment: Not observed at significant frequency in large population cohorts (gnomAD); In silico analysis supports that this missense variant has a deleterious effect on protein structure/function; Has not been previously published as pathogenic or benign to our knowledge

NM_134261.3(RORA):c.1079C>T (p.Ser360Phe)

Genes: RORA (RAR related orphan receptor A; minus strand), RORA-AS1 (RORA antisense RNA 1; plus strand). Cytogenetic location: 15q22.2.
Variant type: single nucleotide variant.
Coding change: c.1079C>T on transcript NM_134261.3 (MANE Select); coding-DNA position 1079, C replaced by T.
Protein change: p.Ser360Phe; replaces serine 360 with phenylalanine.
Molecular consequence: missense variant.
Genome position (GRCh38, 1-based): chr15:60,502,864, G>A on the plus strand (C>T on the coding strand, the complement: RORA is on the minus strand). VCF-style: chr15-60502864-G-A. GRCh37 (hg19) VCF-style: chr15-60795063-G-A.
Other names: c.1154C>T, p.Ser385Phe (NM_002943.4); c.1178C>T, p.Ser393Phe (NM_134260.3); c.914C>T, p.Ser305Phe (NM_134262.3); short protein forms S360F, S385F, S393F, S305F.
Identifiers: ClinVar variation 3781077 (VCV003781077.1).